The following is an entry in ClinVar:

NM_000487.6(ARSA):c.972C>T (p.Ile324=)

Gene: ARSA (arylsulfatase A; minus strand). Cytogenetic location: 22q13.33.
Variant type: single nucleotide variant.
Coding change: c.972C>T on transcript NM_000487.6 (MANE Select); coding-DNA position 972, C replaced by T.
Protein change: p.Ile324=; no amino-acid change (isoleucine 324 retained).
Molecular consequence: synonymous variant.
Genome position (GRCh38, 1-based): chr22:50,626,161, G>A on the plus strand (C>T on the coding strand, the complement: ARSA is on the minus strand). VCF-style: chr22-50626161-G-A. GRCh37 (hg19) VCF-style: chr22-51064589-G-A.
Other names: p.Ile324=; c.972C>T, p.Ile324= (NM_001085425.3, NM_001085426.3, NM_001085427.3); c.714C>T, p.Ile238= (NM_001085428.3, NM_001362782.2).
Identifiers: ClinVar variation 703468 (VCV000703468.15), dbSNP rs200567315, ClinGen allele CA10324865.
Genomic context (GRCh38, chr22:50,626,161, plus strand): 5'-TCAAGGTTGGGGTGGTGGGGCCAGGGTTCCAAGGAGAGGGCCTGCGGACTGACCGGGAGC[G>A]ATATGACCTGGCCAGAAGGCCAAGGCAGGCTCTCGGACACCGCCCTCGTAGGTCGTTCCC-3'
Protein context (NP_000478.3, residues 314-334): EPALAFWPGH[Ile324=]APGVTHELAS

ClinVar aggregate classification (germline): Benign/Likely benign. Review status: criteria provided, multiple submitters, no conflicts (2 of 4 stars). 3 submissions from 3 submitters: Benign (1); Likely benign (1). 1 of the submissions does not count toward it. Last evaluated 2026-01-19.

Conditions:
Metachromatic leukodystrophy (MLD). Also called: ARSA DEFICIENCY; CEREBROSIDE SULFATASE DEFICIENCY; Arylsulfatase A Deficiency; METACHROMATIC LEUKOENCEPHALOPATHY; SULFATIDE LIPIDOSIS; Cerebral sclerosis diffuse metachromatic form. Identifiers: Orphanet 512, MedGen C0023522, MONDO:0018868, OMIM 250100.

Allele frequency attached by ClinVar (database versions not stated): gnomAD 0.00009 and 0.00011; 1000 Genomes Project 30x 0.00016; 1000 Genomes Project 0.00020; TOPMed 0.00022; ExAC 0.00046; gnomAD exomes 0.00054.

Submissions (3):

Labcorp Genetics (formerly Invitae), Labcorp
Classification: Benign for Metachromatic leukodystrophy. Last evaluated: 2026-01-19. Review status: criteria provided, single submitter. Criteria: Invitae Variant Classification Sherloc (09022015). Collection method: clinical testing. Allele origin: germline.

Mayo Clinic Laboratories, Mayo Clinic
Classification: Likely benign. Last evaluated: 2025-10-23. Review status: criteria provided, single submitter. Criteria: ACMG Guidelines, 2015. Collection method: clinical testing. Allele origin: germline. Observed: 2 variant alleles.
Comment: BS1, BP4, BP7

Natera, Inc.
Classification: Likely benign for Metachromatic leukodystrophy. Last evaluated: 2020-01-31. Review status: no assertion criteria provided. Collection method: clinical testing. Allele origin: germline. Not counted in ClinVar's aggregate classification.